The following is an entry in ClinVar:

ClinVar aggregate classification (germline): Uncertain significance. Review status: criteria provided, multiple submitters, no conflicts (2 of 4 stars). 2 submissions from 2 submitters: Uncertain significance (2). Last evaluated 2022-06-25.

Conditions:
Inborn genetic diseases. Identifiers: MedGen C0950123, MeSH D030342.
Joubert syndrome. Also called: CEREBELLOPARENCHYMAL DISORDER IV; JOUBERT-BOLTSHAUSER SYNDROME; Familial aplasia of the vermis. Identifiers: Orphanet 475, MedGen C5979921, MONDO:0018772.

Submissions (2):

Labcorp Genetics (formerly Invitae), Labcorp
Classification: Uncertain significance for Joubert syndrome. Last evaluated: 2022-06-25. Review status: criteria provided, single submitter. Criteria: Invitae Variant Classification Sherloc (09022015). Collection method: clinical testing. Allele origin: germline.
Comment: In summary, the available evidence is currently insufficient to determine the role of this variant in disease. Therefore, it has been classified as a Variant of Uncertain Significance. This sequence change replaces alanine, which is neutral and non-polar, with valine, which is neutral and non-polar, at codon 36 of the INPP5E protein (p.Ala36Val). Advanced modeling of protein sequence and biophysical properties (such as structural, functional, and spatial information, amino acid conservation, physicochemical variation, residue mobility, and thermodynamic stability) performed at Invitae indicates that this missense variant is not expected to disrupt INPP5E protein function. This variant has not been reported in the literature in individuals affected with INPP5E-related conditions. This variant is not present in population databases (gnomAD no frequency).

Ambry Genetics
Classification: Uncertain significance for Inborn genetic diseases. Last evaluated: 2021-04-30. Review status: criteria provided, single submitter. Criteria: Ambry Variant Classification Scheme 2023. Collection method: clinical testing. Allele origin: germline.

NM_019892.6(INPP5E):c.107C>T (p.Ala36Val)

Gene: INPP5E (inositol polyphosphate-5-phosphatase E; minus strand). Cytogenetic location: 9q34.3.
Variant type: single nucleotide variant.
Coding change: c.107C>T on transcript NM_019892.6 (MANE Select); coding-DNA position 107, C replaced by T.
Protein change: p.Ala36Val; replaces alanine 36 with valine.
Molecular consequence: missense variant.
Genome position (GRCh38, 1-based): chr9:136,439,313, G>A on the plus strand (C>T on the coding strand, the complement: INPP5E is on the minus strand). VCF-style: chr9-136439313-G-A. GRCh37 (hg19) VCF-style: chr9-139333765-G-A.
Other names: c.107C>T, p.Ala36Val (NM_001318502.2); c.107C>T (NM_019892.4); short protein forms A36V.
Identifiers: ClinVar variation 2159525 (VCV002159525.5), dbSNP rs771207750, ClinGen allele CA375571401.